The following is an entry in ClinVar:

NM_001042492.3(NF1):c.1555del (p.Gln519fs)

Gene: NF1 (neurofibromin 1; plus strand). Cytogenetic location: 17q11.2.
Variant type: Deletion.
Coding change: c.1555del on transcript NM_001042492.3 (MANE Select); coding-DNA position 1555, one base deleted (C; older notation c.1555delC).
Protein change: p.Gln519fs; shifts the reading frame from glutamine 519.
Molecular consequence: frameshift variant.
Genome position (GRCh38, 1-based): chr17:31,219,032, C deleted; the last of 3 consecutive C bases (chr17:31,219,030-31,219,032); deleting any one gives the same sequence. VCF-style (leftmost placement, unchanged base first): chr17-31219029-AC-A. GRCh37 (hg19) VCF-style: chr17-29546047-AC-A.
Other names: c.1555delC, p.Gln519Lysfs (NM_000267.4); c.1555del, p.Gln519fs (NM_001128147.3); short protein forms Q519fs.
Identifiers: ClinVar variation 856397 (VCV000856397.6), dbSNP rs2066874267, ClinGen allele CA916080570.

ClinVar aggregate classification (germline): Pathogenic. Review status: criteria provided, multiple submitters, no conflicts (2 of 4 stars). 2 submissions from 2 submitters: Pathogenic (2). Last evaluated 2025-08-06.

Conditions:
Juvenile myelomonocytic leukemia (JMML). Also called: LEUKEMIA, JUVENILE MYELOMONOCYTIC, SOMATIC. Identifiers: Orphanet 86834, MedGen C0349639, MONDO:0011908, OMIM 607785, HP:0012209.
Neurofibromatosis, type 1 (NF1). Also called: Neurofibromatosis, type I; VON RECKLINGHAUSEN DISEASE; Peripheral type neurofibromatosis; NEUROFIBROMATOSIS, TYPE I, SOMATIC. Identifiers: Orphanet 636, MedGen C0027831, MONDO:0018975, OMIM 162200. Disease mechanism: loss of function.

Submissions (2):

Labcorp Genetics (formerly Invitae), Labcorp
Classification: Pathogenic for Neurofibromatosis, type 1. Last evaluated: 2025-08-06. Review status: criteria provided, single submitter. Criteria: Invitae Variant Classification Sherloc (09022015). Collection method: clinical testing. Allele origin: germline.
Comment: This sequence change creates a premature translational stop signal (p.Gln519Lysfs*7) in the NF1 gene. It is expected to result in an absent or disrupted protein product. Loss-of-function variants in NF1 are known to be pathogenic (PMID: 10712197, 23913538). This variant is not present in population databases (gnomAD no frequency). This premature translational stop signal has been observed in individual(s) with clinical features of neurofibromatosis type 1 (PMID: 26740943). ClinVar contains an entry for this variant (Variation ID: 856397). For these reasons, this variant has been classified as Pathogenic.

Baylor Genetics
Classification: Pathogenic for Juvenile myelomonocytic leukemia. Last evaluated: 2022-07-15. Review status: criteria provided, single submitter. Criteria: ACMG Guidelines, 2015. Collection method: clinical testing. Allele origin: unknown.

Literature cited by the submitters: PubMed 10712197 (cited by Labcorp Genetics (formerly Invitae), Labcorp); PubMed 23913538 (cited by Labcorp Genetics (formerly Invitae), Labcorp); PubMed 26740943 (cited by Labcorp Genetics (formerly Invitae), Labcorp).